The following is an entry in ClinVar:

ClinVar aggregate classification (germline): Uncertain significance (1 of 4 stars; one submission).

Submission:

Labcorp Genetics (formerly Invitae), Labcorp
Classification: Uncertain significance. Last evaluated: 2024-01-13. Review status: criteria provided, single submitter. Criteria: Invitae Variant Classification Sherloc (09022015). Collection method: clinical testing. Allele origin: germline.
Comment: This variant, c.153_161dup, results in the insertion of 3 amino acid(s) of the ALPK3 protein (p.Leu53_Pro55dup), but otherwise preserves the integrity of the reading frame. This variant is not present in population databases (gnomAD no frequency). This variant has not been reported in the literature in individuals affected with ALPK3-related conditions. In summary, the available evidence is currently insufficient to determine the role of this variant in disease. Therefore, it has been classified as a Variant of Uncertain Significance.

NC_000015.10:g.84816999_84817007dup

Gene: ALPK3 (alpha kinase 3; plus strand). Cytogenetic location: 15q25.3.
Variant type: Duplication.
Genome position: GRCh38 VCF-style: chr15-84816992-A-ACCTGGCTCC. GRCh37 (hg19) VCF-style: chr15-85360223-A-ACCTGGCTCC.
Identifiers: ClinVar variation 2709223 (VCV002709223.3), dbSNP rs2505688092, ClinGen allele CA2697549267.